The following is an entry in ClinVar:

ClinVar aggregate classification (germline): Uncertain significance (1 of 4 stars; one submission).

Submission:

Labcorp Genetics (formerly Invitae), Labcorp
Classification: Uncertain significance. Last evaluated: 2025-06-16. Review status: criteria provided, single submitter. Criteria: Invitae Variant Classification Sherloc (09022015). Collection method: clinical testing. Allele origin: germline.
Comment: This sequence change replaces glutamic acid, which is acidic and polar, with glycine, which is neutral and non-polar, at codon 1204 of the NBEA protein (p.Glu1204Gly). This variant is not present in population databases (gnomAD no frequency). This variant has not been reported in the literature in individuals affected with NBEA-related conditions. Invitae Evidence Modeling of protein sequence and biophysical properties (such as structural, functional, and spatial information, amino acid conservation, physicochemical variation, residue mobility, and thermodynamic stability) indicates that this missense variant is not expected to disrupt NBEA protein function with a negative predictive value of 80%. In summary, the available evidence is currently insufficient to determine the role of this variant in disease. Therefore, it has been classified as a Variant of Uncertain Significance.

NM_001385012.1(NBEA):c.3611A>G (p.Glu1204Gly)

Gene: NBEA (neurobeachin; plus strand). Cytogenetic location: 13q13.3.
Variant type: single nucleotide variant.
Coding change: c.3611A>G on transcript NM_001385012.1 (MANE Select); coding-DNA position 3611, A replaced by G.
Protein change: p.Glu1204Gly; replaces glutamic acid 1204 with glycine.
Molecular consequence: missense variant.
Genome position (GRCh38, 1-based): chr13:35,159,782, A>G. VCF-style: chr13-35159782-A-G. GRCh37 (hg19) VCF-style: chr13-35733919-A-G.
Other names: c.3611A>G, p.Glu1204Gly (NM_001379245.1, NM_015678.5); short protein forms E1204G.
Identifiers: ClinVar variation 4739798 (VCV004739798.1).